The following is an entry in ClinVar:

ClinVar aggregate classification (germline): Pathogenic (1 of 4 stars; one submission).

Conditions:
Hereditary cancer-predisposing syndrome. Also called: Neoplastic Syndromes, Hereditary; Tumor predisposition; Hereditary neoplastic syndrome; Hereditary Cancer Syndrome. Identifiers: Orphanet 140162, MedGen C0027672, MeSH D009386, MONDO:0015356.

Submission:

Ambry Genetics
Classification: Pathogenic for Hereditary cancer-predisposing syndrome. Last evaluated: 2024-03-11. Review status: criteria provided, single submitter. Criteria: Ambry Variant Classification Scheme 2023. Collection method: clinical testing. Allele origin: germline.
Comment: The c.1694dupT pathogenic mutation, located in coding exon 9 of the MEN1 gene, results from a duplication of T at nucleotide position 1694, causing a translational frameshift with a predicted alternate stop codon (p.V566Gfs*31). This alteration occurs at the 3' terminus of theMEN1 gene, is not expected to trigger nonsense-mediated mRNA decay, and impacts the last 45 amino acids of the protein. However, premature stop codons are typically deleterious in nature and a significant portion of the protein is affected and the impacted region is critical for protein function (Ambry internal data). This variant has been observed in at least one individual with a personal and/or family history that is consistent with MEN1-associated disease (Ambry internal data). This variant is considered to be rare based on population cohorts in the Genome Aggregation Database (gnomAD). Based on the supporting evidence, this alteration is interpreted as a disease-causing mutation.

NM_001370259.2(MEN1):c.1694dup (p.Val566fs)

Gene: MEN1 (menin 1; minus strand). Cytogenetic location: 11q13.1.
Variant type: Duplication.
Coding change: c.1694dup on transcript NM_001370259.2 (MANE Select); coding-DNA position 1694, one base duplicated (T; older notation c.1694dupT).
Protein change: p.Val566fs; shifts the reading frame from valine 566.
Molecular consequence: frameshift variant. On other transcripts: non-coding transcript variant (4).
Genome position (GRCh38, 1-based): chr11:64,804,473, A duplicated on the plus strand (T on the coding strand, the reverse complement: MEN1 is on the minus strand). VCF-style (leftmost placement, unchanged base first): chr11-64804472-C-CA. GRCh37 (hg19) VCF-style: chr11-64571944-C-CA.
Other names: c.1709dup, p.Val571fs (NM_000244.4, NM_001407145.1, NM_130800.3 and 4 more transcripts); c.1820dup, p.Val608fs (NM_001370251.2, NM_001407142.1, NM_001407143.1 and 1 more transcripts); c.1694dup, p.Val566fs (NM_001370260.2, NM_001370261.2, NM_001407146.1 and 2 more transcripts); c.1589dup, p.Val531fs (NM_001370262.2, NM_001370263.2, NM_001407148.1 and 1 more transcripts); c.1835dup, p.Val613fs (NM_001407150.1); c.1715dup, p.Val573fs (NM_001407151.1); c.1529dup, p.Val511fs (NM_001407152.1); c.1694dupT (NM_130799.2); short protein forms V511fs, V531fs, V566fs, V571fs, V573fs, V608fs, V613fs.
Identifiers: ClinVar variation 3229077 (VCV003229077.1), dbSNP rs2497105341, ClinGen allele CA2825002029.